The following is an entry in ClinVar:

NM_002661.5(PLCG2):c.3127A>G (p.Met1043Val)

Gene: PLCG2 (phospholipase C gamma 2; plus strand). Cytogenetic location: 16q23.3.
Variant type: single nucleotide variant.
Coding change: c.3127A>G on transcript NM_002661.5 (MANE Select); coding-DNA position 3127, A replaced by G.
Protein change: p.Met1043Val; replaces methionine 1043 with valine.
Molecular consequence: missense variant.
Genome position (GRCh38, 1-based): chr16:81,937,832, A>G. VCF-style: chr16-81937832-A-G. GRCh37 (hg19) VCF-style: chr16-81971437-A-G.
Other names: c.3127A>G (NM_002661.3); short protein forms M1043V.
Identifiers: ClinVar variation 953137 (VCV000953137.10), dbSNP rs201647862, ClinGen allele CA8194571.

ClinVar aggregate classification (germline): Uncertain significance. Review status: criteria provided, multiple submitters, no conflicts (2 of 4 stars). 2 submissions from 2 submitters: Uncertain significance (2). Last evaluated 2025-10-27.

Conditions:
Inborn genetic diseases. Identifiers: MedGen C0950123, MeSH D030342.
Familial cold autoinflammatory syndrome 3 (FCAS3). Also called: FAMILIAL ATYPICAL COLD URTICARIA; ANTIBODY DEFICIENCY AND IMMUNE DYSREGULATION, PLCG2-ASSOCIATED. Identifiers: Orphanet 300359, MedGen C3280914, MONDO:0013766, OMIM 614468.

Allele frequency attached by ClinVar (database versions not stated): gnomAD 0.00001 and 0.00002; gnomAD exomes 0.00001; TOPMed 0.00001; ExAC 0.00002; ESP Exome Variant Server 0.00008.

Submissions (2):

Labcorp Genetics (formerly Invitae), Labcorp
Classification: Uncertain significance for Familial cold autoinflammatory syndrome 3. Last evaluated: 2025-10-27. Review status: criteria provided, single submitter. Criteria: Invitae Variant Classification Sherloc (09022015). Collection method: clinical testing. Allele origin: germline.
Comment: This sequence change replaces methionine, which is neutral and non-polar, with valine, which is neutral and non-polar, at codon 1043 of the PLCG2 protein (p.Met1043Val). This variant is present in population databases (rs201647862, gnomAD 0.008%). This variant has not been reported in the literature in individuals affected with PLCG2-related conditions. ClinVar contains an entry for this variant (Variation ID: 953137). An algorithm developed to predict the effect of missense changes on protein structure and function (PolyPhen-2) suggests that this variant is likely to be tolerated. In summary, the available evidence is currently insufficient to determine the role of this variant in disease. Therefore, it has been classified as a Variant of Uncertain Significance.

Ambry Genetics
Classification: Uncertain significance for Inborn genetic diseases. Last evaluated: 2025-03-14. Review status: criteria provided, single submitter. Criteria: Ambry Variant Classification Scheme 2023. Collection method: clinical testing. Allele origin: germline.